The following is an entry in ClinVar:

NM_000202.8(IDS):c.776T>A (p.Leu259Gln)

Genes: IDS (iduronate 2-sulfatase; minus strand), LOC106050102 (IDS recombination region; plus strand). Cytogenetic location: Xq28.
Variant type: single nucleotide variant.
Coding change: c.776T>A on transcript NM_000202.8 (MANE Select); coding-DNA position 776, T replaced by A.
Protein change: p.Leu259Gln; replaces leucine 259 with glutamine.
Molecular consequence: missense variant. On other transcripts: non-coding transcript variant (1).
Genome position (GRCh38, 1-based): chrX:149,496,449, A>T on the plus strand (T>A on the coding strand, the complement: IDS is on the minus strand). VCF-style: chrX-149496449-A-T. GRCh37 (hg19) VCF-style: chrX-148577980-A-T.
Other names: c.506T>A, p.Leu169Gln (NM_001166550.4); c.776T>A, p.Leu259Gln (NM_006123.5); short protein forms L169Q, L259Q.
Identifiers: ClinVar variation 4078971 (VCV004078971.3).

ClinVar aggregate classification (germline): Uncertain significance. Review status: criteria provided, multiple submitters, no conflicts (2 of 4 stars). 3 submissions from 3 submitters: Uncertain significance (3). Last evaluated 2025-09-16.

Conditions:
Mucopolysaccharidosis, MPS-II (MPS2). Also called: Mucopolysaccharidosis type 2; IDS deficiency; Sulfoiduronate sulfatase deficiency; SIDS deficiency; Mucopolysaccharidosis with skin involvement; Attenuated MPS (subtype; formerly known as mild MPS II). Identifiers: Orphanet 580, Orphanet 79388, MedGen C0026705, MONDO:0010674, OMIM 309900.

Submissions (3):

Women's Health and Genetics/Laboratory Corporation of America, LabCorp
Classification: Uncertain significance. Last evaluated: 2025-09-16. Review status: criteria provided, single submitter. Criteria: LabCorp Variant Classification Summary - May 2015. Collection method: clinical testing. Allele origin: germline.
Comment: Variant summary: IDS c.776T>A (p.Leu259Gln) results in a non-conservative amino acid change in the encoded protein sequence. Algorithms developed to predict the effect of missense changes on protein structure and function all suggest that this variant is likely to be disruptive. The variant was absent in 183018 control chromosomes. The available data on variant occurrences in the general population are insufficient to allow any conclusion about variant significance. To our knowledge, no occurrence of c.776T>A in individuals affected with IDS-related conditions and no experimental evidence demonstrating its impact on protein function have been reported. ClinVar contains an entry for this variant (Variation ID: 4078971). Based on the evidence outlined above, the variant was classified as uncertain significance.

Labcorp Genetics (formerly Invitae), Labcorp
Classification: Uncertain significance for Mucopolysaccharidosis, MPS-II. Last evaluated: 2025-08-20. Review status: criteria provided, single submitter. Criteria: Invitae Variant Classification Sherloc (09022015). Collection method: clinical testing. Allele origin: germline.
Comment: This sequence change replaces leucine, which is neutral and non-polar, with glutamine, which is neutral and polar, at codon 259 of the IDS protein (p.Leu259Gln). This variant is not present in population databases (gnomAD no frequency). This variant has not been reported in the literature in individuals affected with IDS-related conditions. Invitae Evidence Modeling of protein sequence and biophysical properties (such as structural, functional, and spatial information, amino acid conservation, physicochemical variation, residue mobility, and thermodynamic stability) has been performed for this missense variant. However, the output from this modeling did not meet the statistical confidence thresholds required to predict the impact of this variant on IDS protein function. This variant disrupts the p.Leu259 amino acid residue in IDS. Other variant(s) that disrupt this residue have been observed in individuals with IDS-related conditions (PMID: 31991612, 33676511), which suggests that this may be a clinically significant amino acid residue. In summary, the available evidence is currently insufficient to determine the role of this variant in disease. Therefore, it has been classified as a Variant of Uncertain Significance.

Revvity Omics, Revvity
Classification: Uncertain significance for Mucopolysaccharidosis, MPS-II. Last evaluated: 2025-08-11. Review status: criteria provided, single submitter. Criteria: ACMG Guidelines, 2015. Collection method: clinical testing. Allele origin: germline.

Literature cited by the submitters: PubMed 31991612 (cited by Labcorp Genetics (formerly Invitae), Labcorp); PubMed 33676511 (cited by Labcorp Genetics (formerly Invitae), Labcorp).